The following is an entry in ClinVar:

NM_172362.3(KCNH1):c.1784T>C (p.Met595Thr)

Gene: KCNH1 (potassium voltage-gated channel subfamily H member 1; minus strand). Cytogenetic location: 1q32.2.
Variant type: single nucleotide variant.
Coding change: c.1784T>C on transcript NM_172362.3 (MANE Select); coding-DNA position 1784, T replaced by C.
Protein change: p.Met595Thr; replaces methionine 595 with threonine.
Molecular consequence: missense variant.
Genome position (GRCh38, 1-based): chr1:210,797,639, A>G on the plus strand (T>C on the coding strand, the complement: KCNH1 is on the minus strand). VCF-style: chr1-210797639-A-G. GRCh37 (hg19) VCF-style: chr1-210970981-A-G.
Other names: c.1703T>C, p.Met568Thr (NM_002238.4); c.1784T>C (NM_172362.2); short protein forms M568T, M595T.
Identifiers: ClinVar variation 3706423 (VCV003706423.3).

ClinVar aggregate classification (germline): Uncertain significance. Review status: criteria provided, multiple submitters, no conflicts (2 of 4 stars). 2 submissions from 2 submitters: Uncertain significance (2). Last evaluated 2024-12-26.

gnomAD v4.1: 5 of 1,614,238 alleles (0.00031%); highest among the groups gnomAD compares: Non-Finnish European, 0.00042%; no homozygotes.

Submissions (2):

GeneDx
Classification: Uncertain significance. Last evaluated: 2024-12-26. Review status: criteria provided, single submitter. Criteria: GeneDx Variant Classification Process June 2021. Collection method: clinical testing. Allele origin: germline. Affected: yes.
Comment: In silico analysis supports that this missense variant has a deleterious effect on protein structure/function; Has not been previously published as pathogenic or benign to our knowledge

Labcorp Genetics (formerly Invitae), Labcorp
Classification: Uncertain significance. Last evaluated: 2024-08-03. Review status: criteria provided, single submitter. Criteria: Invitae Variant Classification Sherloc (09022015). Collection method: clinical testing. Allele origin: germline.
Comment: This sequence change replaces methionine, which is neutral and non-polar, with threonine, which is neutral and polar, at codon 595 of the KCNH1 protein (p.Met595Thr). This variant is present in population databases (no rsID available, gnomAD 0.002%). This variant has not been reported in the literature in individuals affected with KCNH1-related conditions. Advanced modeling of protein sequence and biophysical properties (such as structural, functional, and spatial information, amino acid conservation, physicochemical variation, residue mobility, and thermodynamic stability) has been performed at Invitae for this missense variant, however the output from this modeling did not meet the statistical confidence thresholds required to predict the impact of this variant on KCNH1 protein function. In summary, the available evidence is currently insufficient to determine the role of this variant in disease. Therefore, it has been classified as a Variant of Uncertain Significance.